The following is an entry in ClinVar:

NM_022725.4(FANCF):c.2T>G (p.Met1Arg)

Gene: FANCF (FA complementation group F; minus strand). Cytogenetic location: 11p14.3.
Variant type: single nucleotide variant.
Coding change: c.2T>G on transcript NM_022725.4 (MANE Select); coding-DNA position 2, T replaced by G.
Protein change: p.Met1Arg; changes the start codon (methionine 1).
Molecular consequence: missense variant, initiator codon variant.
Genome position (GRCh38, 1-based): chr11:22,625,809, A>C on the plus strand (T>G on the coding strand, the complement: FANCF is on the minus strand). VCF-style: chr11-22625809-A-C. GRCh37 (hg19) VCF-style: chr11-22647355-A-C.
Other names: short protein forms M1R.
Identifiers: ClinVar variation 408144 (VCV000408144.13), dbSNP rs745495865, ClinGen allele CA5924458.

ClinVar aggregate classification (germline): Pathogenic/Likely pathogenic. Review status: criteria provided, multiple submitters, no conflicts (2 of 4 stars). 2 submissions from 2 submitters: Pathogenic (1); Likely pathogenic (1). Last evaluated 2025-12-24.

Conditions:
Fanconi anemia complementation group F. Also called: FANCF-Related Fanconi Anemia. Identifiers: Orphanet 84, MedGen C3469526, MONDO:0011325, OMIM 603467.
Fanconi anemia (FA). Also called: Fanconi's anemia. Identifiers: Orphanet 84, MedGen C0015625, MeSH D005199, MONDO:0019391.

Allele frequency attached by ClinVar (database versions not stated): ExAC 0.00001; gnomAD 0.00001 and 0.00002; gnomAD exomes 0.00001; TOPMed 0.00001.

Submissions (2):

Labcorp Genetics (formerly Invitae), Labcorp
Classification: Pathogenic for Fanconi anemia. Last evaluated: 2025-12-24. Review status: criteria provided, single submitter. Criteria: Invitae Variant Classification Sherloc (09022015). Collection method: clinical testing. Allele origin: germline.
Comment: This sequence change affects the initiator codon of the FANCF mRNA. This change may impact translation initiation or efficiency. The next in-frame methionine is located at codon 145. This variant is present in population databases (rs745495865, gnomAD 0.003%). Disruption of the initiator codon has been observed in individuals with Fanconi anemia (PMID: 27714961; internal data). ClinVar contains an entry for this variant (Variation ID: 408144). This variant disrupts the N-terminal domain of the FANCF protein, which stabilizes the interaction with FANCA and FANCG, and is also essential for the binding of the FANCC/FANCE subcomplex (PMID: 15262960). While functional studies have not been performed to directly test the effect of this variant on FANCF protein function, this suggests that disruption of this region of the protein is causative of disease. For these reasons, this variant has been classified as Pathogenic.

Fulgent Genetics
Classification: Likely pathogenic for Fanconi anemia complementation group F. Last evaluated: 2024-01-23. Review status: criteria provided, single submitter. Criteria: ACMG Guidelines, 2015. Collection method: clinical testing. Allele origin: germline.

Literature cited by the submitters: PubMed 27714961 (cited by Labcorp Genetics (formerly Invitae), Labcorp); PubMed 15262960 (cited by Labcorp Genetics (formerly Invitae), Labcorp).